The following is an entry in ClinVar:

ClinVar aggregate classification (germline): Uncertain significance (1 of 4 stars; one submission).

Conditions:
Developmental and epileptic encephalopathy, 34 (DEE34). Also called: SLC12A5-Related Epilepsy of Infancy with Migrating Focal Seizures; Early infantile epileptic encephalopathy 34. Identifiers: Orphanet 293181, MedGen C4225257, MONDO:0014718, OMIM 616645.

Submission:

Labcorp Genetics (formerly Invitae), Labcorp
Classification: Uncertain significance for Developmental and epileptic encephalopathy, 34. Last evaluated: 2022-05-25. Review status: criteria provided, single submitter. Criteria: Invitae Variant Classification Sherloc (09022015). Collection method: clinical testing. Allele origin: germline.
Comment: This sequence change replaces serine, which is neutral and polar, with phenylalanine, which is neutral and non-polar, at codon 1025 of the SLC12A5 protein (p.Ser1025Phe). This variant is not present in population databases (gnomAD no frequency). This variant has not been reported in the literature in individuals affected with SLC12A5-related conditions. Advanced modeling of protein sequence and biophysical properties (such as structural, functional, and spatial information, amino acid conservation, physicochemical variation, residue mobility, and thermodynamic stability) performed at Invitae indicates that this missense variant is not expected to disrupt SLC12A5 protein function. In summary, the available evidence is currently insufficient to determine the role of this variant in disease. Therefore, it has been classified as a Variant of Uncertain Significance.

NM_020708.5(SLC12A5):c.3074C>T (p.Ser1025Phe)

Gene: SLC12A5 (solute carrier family 12 member 5; plus strand). Cytogenetic location: 20q13.12.
Variant type: single nucleotide variant.
Coding change: c.3074C>T on transcript NM_020708.5 (MANE Select); coding-DNA position 3074, C replaced by T.
Protein change: p.Ser1025Phe; replaces serine 1025 with phenylalanine.
Molecular consequence: missense variant.
Genome position (GRCh38, 1-based): chr20:46,056,528, C>T. VCF-style: chr20-46056528-C-T. GRCh37 (hg19) VCF-style: chr20-44685167-C-T.
Other names: c.3143C>T, p.Ser1048Phe (NM_001134771.2); short protein forms S1025F, S1048F.
Identifiers: ClinVar variation 1998790 (VCV001998790.1), dbSNP rs2515654009, ClinGen allele CA409208116.